The following is an entry in ClinVar:

NM_003072.5(SMARCA4):c.356-5T>C

Gene: SMARCA4 (SWI/SNF related BAF chromatin remodeling complex subunit ATPase 4; plus strand). Cytogenetic location: 19p13.2.
Variant type: single nucleotide variant.
Coding change: c.356-5T>C on transcript NM_003072.5 (MANE Select); 5 bases into the intron before coding-DNA position 356, T replaced by C.
Molecular consequence: intron variant.
Genome position (GRCh38, 1-based): chr19:10,986,184, T>C. VCF-style: chr19-10986184-T-C. GRCh37 (hg19) VCF-style: chr19-11096860-T-C.
Other names: c.356-5T>C (NM_001128844.3, NM_001128849.3, NM_001128847.4 and 4 more transcripts).
Identifiers: ClinVar variation 823937 (VCV000823937.10), dbSNP rs758315191, ClinGen allele CA783227023.

ClinVar aggregate classification (germline): Conflicting classifications of pathogenicity. Review status: criteria provided, conflicting classifications (1 of 4 stars). 2 submissions from 2 submitters: Uncertain significance (1); Likely benign (1). Last evaluated 2024-06-12.

Conditions:
Hereditary cancer-predisposing syndrome. Also called: Neoplastic Syndromes, Hereditary; Tumor predisposition; Hereditary neoplastic syndrome; Hereditary Cancer Syndrome. Identifiers: Orphanet 140162, MedGen C0027672, MeSH D009386, MONDO:0015356.
Rhabdoid tumor predisposition syndrome 2 (RTPS2). Identifiers: Orphanet 231108, Orphanet 69077, MedGen C2750074, MONDO:0013224, OMIM 613325.

Allele frequency attached by ClinVar (database versions not stated): TOPMed below 0.00001; gnomAD 0.00001.
gnomAD v4.1: 2 of 1,612,638 alleles (0.00012%); highest among the groups gnomAD compares: South Asian, 0.0011%; no homozygotes.

Submissions (2):

Ambry Genetics
Classification: Uncertain significance for Hereditary cancer-predisposing syndrome. Last evaluated: 2024-06-12. Review status: criteria provided, single submitter. Criteria: Ambry Variant Classification Scheme 2023. Collection method: clinical testing. Allele origin: germline.
Comment: The c.356-5T>C intronic variant results from a T to C substitution 5 nucleotides upstream from coding exon 3 in the SMARCA4 gene. This nucleotide position is not well conserved in available vertebrate species. In silico splice site analysis predicts that this alteration will not have any significant effect on splicing. Based on the available evidence, the clinical significance of this variant remains unclear.

Labcorp Genetics (formerly Invitae), Labcorp
Classification: Likely benign for Rhabdoid tumor predisposition syndrome 2. Last evaluated: 2021-12-23. Review status: criteria provided, single submitter. Criteria: Invitae Variant Classification Sherloc (09022015). Collection method: clinical testing. Allele origin: germline.